The following is an entry in ClinVar:

ClinVar aggregate classification (germline): Uncertain significance (1 of 4 stars; one submission).

gnomAD v4.1: 8 of 1,613,678 alleles (0.0005%); highest among the groups gnomAD compares: Admixed American, 0.0033%; no homozygotes.

Submission:

Labcorp Genetics (formerly Invitae), Labcorp
Classification: Uncertain significance. Last evaluated: 2025-10-27. Review status: criteria provided, single submitter. Criteria: Invitae Variant Classification Sherloc (09022015). Collection method: clinical testing. Allele origin: germline.
Comment: This sequence change replaces threonine, which is neutral and polar, with methionine, which is neutral and non-polar, at codon 258 of the POLD2 protein (p.Thr258Met). This variant is present in population databases (no rsID available, gnomAD 0.003%). This variant has not been reported in the literature in individuals affected with POLD2-related conditions. ClinVar contains an entry for this variant (Variation ID: 3643381). Experimental studies and prediction algorithms are not available or were not evaluated, and the functional significance of this variant is currently unknown. In summary, the available evidence is currently insufficient to determine the role of this variant in disease. Therefore, it has been classified as a Variant of Uncertain Significance.

NM_006230.4(POLD2):c.668C>T (p.Thr223Met)

Gene: POLD2 (DNA polymerase delta 2, accessory subunit; minus strand). Cytogenetic location: 7p13.
Variant type: single nucleotide variant.
Coding change: c.668C>T on transcript NM_006230.4 (MANE Select); coding-DNA position 668, C replaced by T.
Protein change: p.Thr223Met; replaces threonine 223 with methionine.
Molecular consequence: missense variant.
Genome position (GRCh38, 1-based): chr7:44,116,929, G>A on the plus strand (C>T on the coding strand, the complement: POLD2 is on the minus strand). VCF-style: chr7-44116929-G-A. GRCh37 (hg19) VCF-style: chr7-44156528-G-A.
Other names: c.668C>T, p.Thr223Met (NM_001127218.3, NM_001256879.2); short protein forms T223M.
Identifiers: ClinVar variation 3643381 (VCV003643381.2).
Genomic context (GRCh38, chr7:44,116,929, plus strand): 5'-AGGATAACCCGGGAGACGTGGGCGGCGCTGCACTGCTCCCCTTCGTCCCCAAGCTGCCCC[G>A]TCACCACATCCACCAGCAGCTGGGTGCCCAGCAGGCTCTCGCCTCCACCGCCACCCAGGC-3'
Protein context (NP_006221.3, residues 213-233): LGTQLLVDVV[Thr223Met]GQLGDEGEQC